The following is an entry in ClinVar:

NM_001371623.1(TCOF1):c.1504_1505insT (p.Lys502fs)

Gene: TCOF1 (treacle ribosome biogenesis factor 1; plus strand). Cytogenetic location: 5q32.
Variant type: Insertion.
Coding change: c.1504_1505insT on transcript NM_001371623.1 (MANE Select); coding-DNA positions 1504 to 1505, T inserted.
Protein change: p.Lys502fs; shifts the reading frame from lysine 502.
Molecular consequence: frameshift variant.
Genome position: GRCh38 VCF-style: chr5-150375354-A-AT. GRCh37 (hg19) VCF-style: chr5-149754917-A-AT.
Other names: c.1504_1505insT, p.Lys502fs (NM_001008657.3, NM_001135243.2, NM_001135244.2 and 1 more transcripts); c.1273_1274insT, p.Lys425fs (NM_001135245.2, NM_000356.4); short protein forms K425fs, K502fs.
Identifiers: ClinVar variation 1069272 (VCV001069272.9), dbSNP rs2150713720, ClinGen allele CA2499217743.

ClinVar aggregate classification (germline): Pathogenic (1 of 4 stars; one submission).

Conditions:
Treacher Collins syndrome 1 (TCS1). Also called: TCOF1-Related Treacher Collins Syndrome. Identifiers: Orphanet 861, MedGen CN315775, MONDO:0007944, OMIM 154500.

Submission:

Labcorp Genetics (formerly Invitae), Labcorp
Classification: Pathogenic for Treacher Collins syndrome 1. Last evaluated: 2020-08-31. Review status: criteria provided, single submitter. Criteria: Invitae Variant Classification Sherloc (09022015). Collection method: clinical testing. Allele origin: germline.
Comment: Loss-of-function variants in TCOF1 are known to be pathogenic (PMID: 8894686, 22317976). This variant has been observed in individual(s) with Treacher Collins syndrome 1 (Invitae). This variant is not present in population databases (ExAC no frequency). This sequence change creates a premature translational stop signal (p.Lys502Ilefs*48) in the TCOF1 gene. It is expected to result in an absent or disrupted protein product. For these reasons, this variant has been classified as Pathogenic.

Literature cited by the submitters: PubMed 8894686; PubMed 22317976.